The following is an entry in ClinVar:

NM_001148.6(ANK2):c.5095G>A (p.Gly1699Arg)

Gene: ANK2 (ankyrin 2; plus strand). Cytogenetic location: 4q26.
Variant type: single nucleotide variant.
Coding change: c.5095G>A on transcript NM_001148.6 (MANE Select); coding-DNA position 5095, G replaced by A.
Protein change: p.Gly1699Arg; replaces glycine 1699 with arginine.
Molecular consequence: missense variant. On other transcripts: intron variant (68).
Genome position (GRCh38, 1-based): chr4:113,353,713, G>A. VCF-style: chr4-113353713-G-A. GRCh37 (hg19) VCF-style: chr4-114274869-G-A.
Other names: c.4861G>A, p.Gly1621Arg (NM_001386142.1); c.1495G>A, p.Gly499Arg (NM_001386166.1); c.5236G>A, p.Gly1746Arg (NM_001386174.1); c.5212G>A, p.Gly1738Arg (NM_001386175.1); c.4411+3464G>A (NM_001386186.2, NM_001386148.2); c.4213+3464G>A (NM_001354269.3); c.4291+3464G>A (NM_001386187.2); c.4252+3464G>A (NM_001386147.1); and 35 more; short protein forms G1621R, G1746R, G1699R, G1738R, G499R.
Identifiers: ClinVar variation 1359888 (VCV001359888.8), dbSNP rs2154018839, ClinGen allele CA357918098.
Genomic context (GRCh38, chr4:113,353,713, plus strand): 5'-GGGAAAGACATACCCCCAGATGAGACACAGAGTACACAGAAACAGCACAAACCAAGCTTG[G>A]GAATAAAGAAGCCAGTAAGAAGGAAATTAAAAGAAAAGCAGAAACAAAAAGAGGAAGGTT-3'
Protein context (NP_001139.3, residues 1689-1709): STQKQHKPSL[Gly1699Arg]IKKPVRRKLK

ClinVar aggregate classification (germline): Uncertain significance (1 of 4 stars; one submission).

Conditions:
Long QT syndrome (LQTS). Identifiers: MedGen C0023976, MeSH D008133, MONDO:0002442. Disease mechanism: loss of function. Inheritance: Various modes of inheritance.

Submission:

Labcorp Genetics (formerly Invitae), Labcorp
Classification: Uncertain significance for Long QT syndrome. Last evaluated: 2020-12-25. Review status: criteria provided, single submitter. Criteria: Invitae Variant Classification Sherloc (09022015). Collection method: clinical testing. Allele origin: germline.
Comment: This sequence change replaces glycine with arginine at codon 1699 of the ANK2 protein (p.Gly1699Arg). The glycine residue is weakly conserved and there is a moderate physicochemical difference between glycine and arginine. This variant is not present in population databases (ExAC no frequency). This variant has not been reported in the literature in individuals with ANK2-related conditions. Algorithms developed to predict the effect of missense changes on protein structure and function are either unavailable or do not agree on the potential impact of this missense change (SIFT: "Tolerated"; PolyPhen-2: "Possibly Damaging"; Align-GVGD: "Class C0"). In summary, the available evidence is currently insufficient to determine the role of this variant in disease. Therefore, it has been classified as a Variant of Uncertain Significance.